The following is an entry in ClinVar:

NM_002936.6(RNASEH1):c.510A>C (p.Leu170Phe)

Gene: RNASEH1 (ribonuclease H1; minus strand). Cytogenetic location: 2p25.3.
Variant type: single nucleotide variant.
Coding change: c.510A>C on transcript NM_002936.6 (MANE Select); coding-DNA position 510, A replaced by C.
Protein change: p.Leu170Phe; replaces leucine 170 with phenylalanine.
Molecular consequence: missense variant. On other transcripts: non-coding transcript variant (6), intron variant (1).
Genome position (GRCh38, 1-based): chr2:3,549,112, T>G on the plus strand (A>C on the coding strand, the complement: RNASEH1 is on the minus strand). VCF-style: chr2-3549112-T-G. GRCh37 (hg19) VCF-style: chr2-3596702-T-G.
Other names: c.432A>C, p.Leu144Phe (NM_001286834.3); c.159A>C, p.Leu53Phe (NM_001286837.3); c.510A>C, p.Leu170Phe (NM_001378271.1); c.507A>C, p.Leu169Phe (NM_001378272.1); c.510-15A>C (NM_001378273.1); short protein forms L170F, L169F, L53F, L144F.
Identifiers: ClinVar variation 4989795 (VCV004989795.1).
Genomic context (GRCh38, chr2:3,549,112, plus strand): 5'-ACTTACATGAATTTCCGCTCTTTGGTTTGTCTGCCGCCCAGGAAGTCTAATGCCTACATT[T>G]CTGTTTCAAAACAGTACAAAAGAAAATAAAAGTATAAAGTGAATTCTCAAAGTGATTCTT-3'
Protein context (NP_002927.2, residues 160-180): IGVYWGPGHP[Leu170Phe]NVGIRLPGRQ

ClinVar aggregate classification (germline): Uncertain significance (1 of 4 stars; one submission).

Conditions:
RNASEH1-related disorder. Also called: RNASEH1-related condition.

Submission:

PreventionGenetics, part of Exact Sciences
Classification: Uncertain significance for RNASEH1-related condition. Last evaluated: 2025-10-02. Review status: criteria provided, single submitter. Criteria: ACMG Guidelines, 2015. Collection method: clinical testing. Allele origin: germline.
Comment: The RNASEH1 c.510A>C variant is predicted to result in the amino acid substitution p.Leu170Phe. To our knowledge, this variant has not been reported in the literature or in a large population database (gnomAD), indicating this variant is rare. At this time, the clinical significance of this variant is uncertain due to the absence of conclusive functional and genetic evidence.